The following is an entry in ClinVar:

NM_031942.5(CDCA7):c.934G>A (p.Val312Met)

Gene: CDCA7 (cell division cycle associated 7; plus strand). Cytogenetic location: 2q31.1.
Variant type: single nucleotide variant.
Coding change: c.934G>A on transcript NM_031942.5 (MANE Select); coding-DNA position 934, G replaced by A.
Protein change: p.Val312Met; replaces valine 312 with methionine.
Molecular consequence: missense variant.
Genome position (GRCh38, 1-based): chr2:173,365,491, G>A. VCF-style: chr2-173365491-G-A. GRCh37 (hg19) VCF-style: chr2-174230219-G-A.
Other names: c.697G>A, p.Val233Met (NM_145810.3); short protein forms V233M, V312M.
Identifiers: ClinVar variation 1483723 (VCV001483723.3), dbSNP rs181471885, ClinGen allele CA1971393.

ClinVar aggregate classification (germline): Uncertain significance (1 of 4 stars; one submission).

Allele frequency attached by ClinVar (database versions not stated): gnomAD 0.00002 and 0.00003; ExAC 0.00003; gnomAD exomes 0.00003 and 0.00006; TOPMed 0.00005; ESP Exome Variant Server 0.00008; 1000 Genomes Project 30x 0.00016; 1000 Genomes Project 0.00020.
gnomAD v4.1: 86 of 1,614,122 alleles (0.0053%); highest among the groups gnomAD compares: Non-Finnish European, 0.0069%; no homozygotes.

Submission:

Labcorp Genetics (formerly Invitae), Labcorp
Classification: Uncertain significance. Last evaluated: 2021-12-12. Review status: criteria provided, single submitter. Criteria: Invitae Variant Classification Sherloc (09022015). Collection method: clinical testing. Allele origin: germline.
Comment: This sequence change replaces valine, which is neutral and non-polar, with methionine, which is neutral and non-polar, at codon 312 of the CDCA7 protein (p.Val312Met). This variant is present in population databases (rs181471885, gnomAD 0.005%). This variant has not been reported in the literature in individuals affected with CDCA7-related conditions. Algorithms developed to predict the effect of missense changes on protein structure and function output the following: SIFT: "Tolerated"; PolyPhen-2: "Benign"; Align-GVGD: "Class C0". The methionine amino acid residue is found in multiple mammalian species, which suggests that this missense change does not adversely affect protein function. In summary, the available evidence is currently insufficient to determine the role of this variant in disease. Therefore, it has been classified as a Variant of Uncertain Significance.